The following is an entry in ClinVar:

ClinVar aggregate classification (germline): Uncertain significance (1 of 4 stars; one submission).

Allele frequency attached by ClinVar (database versions not stated): gnomAD exomes below 0.00001.
gnomAD v4.1: 2 of 1,178,626 alleles (0.00017%); highest among the groups gnomAD compares: Non-Finnish European, 0.00023%; no homozygotes.

Submission:

Labcorp Genetics (formerly Invitae), Labcorp
Classification: Uncertain significance. Last evaluated: 2021-04-05. Review status: criteria provided, single submitter. Criteria: Invitae Variant Classification Sherloc (09022015). Collection method: clinical testing. Allele origin: germline.
Comment: In summary, the available evidence is currently insufficient to determine the role of this variant in disease. Therefore, it has been classified as a Variant of Uncertain Significance. Algorithms developed to predict the effect of missense changes on protein structure and function (SIFT, PolyPhen-2, Align-GVGD) all suggest that this variant is likely to be tolerated, but these predictions have not been confirmed by published functional studies and their clinical significance is uncertain. This variant has not been reported in the literature in individuals with STAG2-related conditions. This variant is not present in population databases (ExAC no frequency). This sequence change replaces asparagine with aspartic acid at codon 841 of the STAG2 protein (p.Asn841Asp). The asparagine residue is weakly conserved and there is a small physicochemical difference between asparagine and aspartic acid.

NM_001042750.2(STAG2):c.2521A>G (p.Asn841Asp)

Gene: STAG2 (STAG2 cohesin complex component; plus strand). Cytogenetic location: Xq25.
Variant type: single nucleotide variant.
Coding change: c.2521A>G on transcript NM_001042750.2 (MANE Select); coding-DNA position 2521, A replaced by G.
Protein change: p.Asn841Asp; replaces asparagine 841 with aspartic acid.
Molecular consequence: missense variant.
Genome position (GRCh38, 1-based): chrX:124,071,311, A>G. VCF-style: chrX-124071311-A-G. GRCh37 (hg19) VCF-style: chrX-123205161-A-G.
Other names: c.2521A>G, p.Asn841Asp (NM_001042749.2, NM_001042751.2, NM_001282418.2 and 13 more transcripts); short protein forms N841D.
Identifiers: ClinVar variation 1463920 (VCV001463920.8), dbSNP rs2058657454, ClinGen allele CA414276930.